The following is an entry in ClinVar:

NM_014991.6(WDFY3):c.5858T>G (p.Leu1953Arg)

Gene: WDFY3 (WD repeat and FYVE domain containing 3; minus strand). Cytogenetic location: 4q21.23.
Variant type: single nucleotide variant.
Coding change: c.5858T>G on transcript NM_014991.6 (MANE Select); coding-DNA position 5858, T replaced by G.
Protein change: p.Leu1953Arg; replaces leucine 1953 with arginine.
Molecular consequence: missense variant.
Genome position (GRCh38, 1-based): chr4:84,751,598, A>C on the plus strand (T>G on the coding strand, the complement: WDFY3 is on the minus strand). VCF-style: chr4-84751598-A-C. GRCh37 (hg19) VCF-style: chr4-85672751-A-C.
Other names: short protein forms L1953R.
Identifiers: ClinVar variation 3393593 (VCV003393593.1).

ClinVar aggregate classification (germline): Uncertain significance (1 of 4 stars; one submission).

Submission:

GeneDx
Classification: Uncertain significance. Last evaluated: 2024-06-28. Review status: criteria provided, single submitter. Criteria: GeneDx Variant Classification Process June 2021. Collection method: clinical testing. Allele origin: germline. Affected: yes.
Comment: Not observed at significant frequency in large population cohorts (gnomAD); In silico analysis supports that this missense variant has a deleterious effect on protein structure/function; Has not been previously published as pathogenic or benign to our knowledge